The following is an entry in ClinVar:

ClinVar aggregate classification (germline): Uncertain significance (1 of 4 stars; one submission).

Conditions:
ENHANCED S-CONE SYNDROME 1 (ESCS1). Also called: RETINOSCHISIS WITH EARLY HEMERALOPIA; FAVRE HYALOIDEORETINAL DEGENERATION. Identifiers: MedGen CN380299, OMIM 268100.

Submission:

Myriad Genetics, Inc.
Classification: Uncertain significance for ENHANCED S-CONE SYNDROME 1. Last evaluated: 2025-12-02. Review status: criteria provided, single submitter. Criteria: Myriad Autosomal Dominant, Autosomal Recessive and X-Linked Classification Criteria (2023). Collection method: clinical testing. Allele origin: unknown.
Comment: NM_014249.2(NR2E3):c.1065G>C(Q355H) is a missense variant classified as a variant of uncertain significance in the context of enhanced S-cone syndrome. Q355H has not been observed in cases with relevant disease. Relevant functional assessments of this variant are not available in the literature. Q355H has been observed in referenced population frequency databases. In summary, there is insufficient evidence to classify NM_014249.2(NR2E3):c.1065G>C(Q355H) as pathogenic or benign. Please note: this variant was assessed in the context of healthy population screening.

NM_014249.4(NR2E3):c.1065G>C (p.Gln355His)

Gene: NR2E3 (nuclear receptor subfamily 2 group E member 3; plus strand). Cytogenetic location: 15q23.
Variant type: single nucleotide variant.
Coding change: c.1065G>C on transcript NM_014249.4 (MANE Select); coding-DNA position 1065, G replaced by C.
Protein change: p.Gln355His; replaces glutamine 355 with histidine.
Molecular consequence: missense variant.
Genome position (GRCh38, 1-based): chr15:71,814,082, G>C. VCF-style: chr15-71814082-G-C. GRCh37 (hg19) VCF-style: chr15-72106423-G-C.
Other names: c.1065G>C, p.Gln355His (NM_016346.4); short protein forms Q355H.
Identifiers: ClinVar variation 5004310 (VCV005004310.1).